The following is an entry in ClinVar:

ClinVar aggregate classification (germline): Pathogenic/Likely pathogenic. Review status: criteria provided, multiple submitters, no conflicts (2 of 4 stars). 3 submissions from 3 submitters: Pathogenic (1); Likely pathogenic (1). 1 of the submissions does not count toward it. Last evaluated 2024-02-24.

Conditions:
Frontotemporal dementia (FTD1). Also called: Frontotemporal Dementia with Parkinsonism-17 (FTDP-17); FRONTOTEMPORAL DEMENTIA WITH PARKINSONISM; FRONTOTEMPORAL LOBE DEMENTIA; MULTIPLE SYSTEM TAUOPATHY WITH PRESENILE DEMENTIA; Dementia, frontotemporal, with or without parkinsonism; WILHELMSEN-LYNCH DISEASE. Identifiers: Orphanet 282, MedGen C0338451, MONDO:0017276, OMIM 600274, HP:0002145.

Submissions (3):

Labcorp Genetics (formerly Invitae), Labcorp
Classification: Likely pathogenic for Frontotemporal dementia. Last evaluated: 2024-02-24. Review status: criteria provided, single submitter. Criteria: Invitae Variant Classification Sherloc (09022015). Collection method: clinical testing. Allele origin: germline.
Comment: This sequence change affects codon 305 of the MAPT mRNA. It is a 'silent' change, meaning that it does not change the encoded amino acid sequence of the MAPT protein. It affects a nucleotide within the consensus splice site. This variant is not present in population databases (gnomAD no frequency). This variant has been observed in individuals with MAPT-related conditions (PMID: 16477083, 18093153, 23338682, 29253099). This variant is also known as S305S. ClinVar contains an entry for this variant (Variation ID: 98217). Studies have shown this variant is associated with increase of exon 9 (also known as exon 10) splicing, but one or more of the resulting mRNA isoform(s) may be naturally occurring (PMID: 10775534). In summary, the currently available evidence indicates that the variant is pathogenic, but additional data are needed to prove that conclusively. Therefore, this variant has been classified as Likely Pathogenic.

Mendelics
Classification: Pathogenic for Frontotemporal dementia. Last evaluated: 2019-05-28. Review status: criteria provided, single submitter. Criteria: Mendelics Assertion Criteria 2017. Collection method: clinical testing. Allele origin: unknown.

VIB  Department of Molecular Genetics, University of Antwerp
No classification provided. Review status: no classification provided. Collection method: not provided. Allele origin: not provided. Not counted in ClinVar's aggregate classification.

Literature cited by the submitters: PubMed 16477083 (cited by Labcorp Genetics (formerly Invitae), Labcorp); PubMed 18093153 (cited by Labcorp Genetics (formerly Invitae), Labcorp); PubMed 23338682 (cited by Labcorp Genetics (formerly Invitae), Labcorp); PubMed 29253099 (cited by Labcorp Genetics (formerly Invitae), Labcorp); PubMed 10775534 (cited by Labcorp Genetics (formerly Invitae), Labcorp).

NM_001377265.1(MAPT):c.2091T>C (p.Ser697=)

Gene: MAPT (microtubule associated protein tau). Cytogenetic location: 17q21.31.
Variant type: single nucleotide variant.
Coding change: c.2091T>C on transcript NM_001377265.1 (MANE Select); coding-DNA position 2091, T replaced by C.
Protein change: p.Ser697=; no amino-acid change (serine 697 retained).
Molecular consequence: synonymous variant. On other transcripts: intron variant (6).
Genome position (GRCh38, 1-based): chr17:46,010,402, T>C. VCF-style: chr17-46010402-T-C. GRCh37 (hg19) VCF-style: chr17-44087768-T-C.
Other names: c.1920T>C, p.Ser640= (NM_001123066.4); c.828T>C, p.Ser276= (NM_001123067.4); c.915T>C, p.Ser305= (NM_005910.6); c.741T>C, p.Ser247= (NM_016834.5); c.1866T>C, p.Ser622= (NM_016835.5); c.649-3841T>C (NM_001377268.1, NM_016841.5); c.823-3841T>C (NM_001203252.2); c.1801-3841T>C (NM_001377266.1); and 1 more.
Identifiers: ClinVar variation 98217 (VCV000098217.8), dbSNP rs63750568, ClinGen allele CA225458.
Genomic context (GRCh38, chr17:46,010,402, plus strand): 5'-CAACGTCCAGTCCAAGTGTGGCTCAAAGGATAATATCAAACACGTCCCGGGAGGCGGCAG[T>C]GTGAGTACCTTCACACGTCCCATGCGCCGTGCTGTGGCTTGAATTATTAGGAAGTGGTGT-3'
Protein context (NP_001364194.1, residues 687-707): DNIKHVPGGG[Ser697=]VQIVYKPVDL